The following is an entry in ClinVar:

NM_176787.5(PIGN):c.2641G>A (p.Asp881Asn)

Gene: PIGN (phosphatidylinositol glycan anchor biosynthesis class N; minus strand). Cytogenetic location: 18q21.33.
Variant type: single nucleotide variant.
Coding change: c.2641G>A on transcript NM_176787.5 (MANE Select); coding-DNA position 2641, G replaced by A.
Protein change: p.Asp881Asn; replaces aspartic acid 881 with asparagine.
Molecular consequence: missense variant.
Genome position (GRCh38, 1-based): chr18:62,072,704, C>T on the plus strand (G>A on the coding strand, the complement: PIGN is on the minus strand). VCF-style: chr18-62072704-C-T. GRCh37 (hg19) VCF-style: chr18-59739937-C-T.
Other names: c.2641G>A, p.Asp881Asn (NM_001438896.1, NM_001438904.1, NM_001438905.1 and 1 more transcripts); c.2239G>A, p.Asp747Asn (NM_001438910.1); short protein forms D747N, D881N.
Identifiers: ClinVar variation 5021061 (VCV005021061.1).

ClinVar aggregate classification (germline): Uncertain significance (1 of 4 stars; one submission).

Submission:

Dasa
Classification: Uncertain significance. Last evaluated: 2024-10-25. Review status: criteria provided, single submitter. Criteria: DASA Assertion Criteria. Collection method: clinical testing. Allele origin: germline.
Comment: NM_176787.5(PIGN):c.2641G>A (p.Asp881Asn) is a missense variant that results in the substitution of aspartic acid with asparagine. This variant has been observed in affected individuals with PIGN-related disorders. Also, this variant is absent from population databases. Computational prediction algorithms are consistent with a benign effect. The currently available literature and clinical evidence are not sufficient to establish a definitive association between this variant and the reported condition. Therefore, this variant is classified as a variant of uncertain significance.